The following is an entry in ClinVar:

ClinVar aggregate classification (germline): Pathogenic (1 of 4 stars; one submission).

Conditions:
Familial hypocalciuric hypercalcemia (FHH). Also called: Familial benign hypercalcemia. Identifiers: Orphanet 405, MedGen C1809471, MONDO:0018458.
Autosomal dominant hypocalcemia 1 (HYPOC1). Also called: HYPOCALCEMIA, FAMILIAL. Identifiers: MedGen C3715128, MONDO:0011013, OMIM 601198.

Submission:

Labcorp Genetics (formerly Invitae), Labcorp
Classification: Pathogenic for Familial hypocalciuric hypercalcemia; Autosomal dominant hypocalcemia 1. Last evaluated: 2024-06-23. Review status: criteria provided, single submitter. Criteria: Invitae Variant Classification Sherloc (09022015). Collection method: clinical testing. Allele origin: germline.
Comment: This sequence change creates a premature translational stop signal (p.Tyr246Serfs*25) in the CASR gene. It is expected to result in an absent or disrupted protein product. Loss-of-function variants in CASR are known to be pathogenic (PMID: 11807402, 14985373, 22422767). This variant is not present in population databases (gnomAD no frequency). This variant has not been reported in the literature in individuals affected with CASR-related conditions. For these reasons, this variant has been classified as Pathogenic.

Literature cited by the submitters: PubMed 11807402; PubMed 14985373; PubMed 22422767.

NM_000388.4(CASR):c.737_756del (p.Tyr246fs)

Gene: CASR (calcium sensing receptor; plus strand). Cytogenetic location: 3q21.1.
Variant type: Deletion.
Coding change: c.737_756del on transcript NM_000388.4 (MANE Select); coding-DNA positions 737 to 756, 20 bases deleted (ACTCTGATGAGGAAGAGATC).
Protein change: p.Tyr246fs; shifts the reading frame from tyrosine 246.
Molecular consequence: frameshift variant.
Genome position (GRCh38, 1-based): chr3:122,261,772-122,261,791, ACTCTGATGAGGAAGAGATC deleted. VCF-style (leftmost placement, unchanged base first): chr3-122261771-TACTCTGATGAGGAAGAGATC-T. GRCh37 (hg19) VCF-style: chr3-121980618-TACTCTGATGAGGAAGAGATC-T.
Other names: c.737_756del, p.Tyr246fs (NM_001178065.2); short protein forms Y246fs.
Identifiers: ClinVar variation 3756937 (VCV003756937.2).